The following is an entry in ClinVar:

ClinVar aggregate classification (germline): Uncertain significance. Review status: criteria provided, multiple submitters, no conflicts (2 of 4 stars). 2 submissions from 2 submitters: Uncertain significance (2). Last evaluated 2025-08-27.

Conditions:
ACACB-related disorder. Also called: ACACB-related condition.

gnomAD v4.1: 46 of 1,613,998 alleles (0.0029%); highest among the groups gnomAD compares: Admixed American, 0.042%; no homozygotes.

Submissions (2):

Ambry Genetics
Classification: Uncertain significance. Last evaluated: 2025-08-27. Review status: criteria provided, single submitter. Criteria: Ambry Variant Classification Scheme 2023. Collection method: clinical testing. Allele origin: germline.

PreventionGenetics, part of Exact Sciences
Classification: Uncertain significance for ACACB-related condition. Last evaluated: 2025-04-25. Review status: criteria provided, single submitter. Criteria: ACMG Guidelines, 2015. Collection method: clinical testing. Allele origin: germline.
Comment: The ACACB c.3850G>T variant is predicted to result in the amino acid substitution p.Ala1284Ser. To our knowledge, this variant has not been reported in the literature. This variant is reported in 0.028% of alleles in individuals of African descent in gnomAD. At this time, the clinical significance of this variant is uncertain due to the absence of conclusive functional and genetic evidence.

NM_001093.4(ACACB):c.3850G>T (p.Ala1284Ser)

Gene: ACACB (acetyl-CoA carboxylase beta; plus strand). Cytogenetic location: 12q24.11.
Variant type: single nucleotide variant.
Coding change: c.3850G>T on transcript NM_001093.4 (MANE Select); coding-DNA position 3850, G replaced by T.
Protein change: p.Ala1284Ser; replaces alanine 1284 with serine.
Molecular consequence: missense variant.
Genome position (GRCh38, 1-based): chr12:109,223,872, G>T. VCF-style: chr12-109223872-G-T. GRCh37 (hg19) VCF-style: chr12-109661677-G-T.
Other names: c.3850G>T, p.Ala1284Ser (NM_001412734.1, NM_001412735.1); c.3244G>T, p.Ala1082Ser (NM_001412736.1, NM_001412739.1); c.3223G>T, p.Ala1075Ser (NM_001412737.1); c.3055G>T, p.Ala1019Ser (NM_001412738.1); short protein forms A1019S, A1075S, A1082S, A1284S.
Identifiers: ClinVar variation 4200329 (VCV004200329.2).